The following is an entry in ClinVar:

NM_032043.3(BRIP1):c.2575+5G>A

Gene: BRIP1 (BRCA1 interacting DNA helicase 1; minus strand). Cytogenetic location: 17q23.2.
Variant type: single nucleotide variant.
Coding change: c.2575+5G>A on transcript NM_032043.3 (MANE Select); 5 bases into the intron after coding-DNA position 2575, G replaced by A.
Molecular consequence: intron variant.
Genome position (GRCh38, 1-based): chr17:61,693,425, C>T on the plus strand (G>A on the coding strand, the complement: BRIP1 is on the minus strand). VCF-style: chr17-61693425-C-T. GRCh37 (hg19) VCF-style: chr17-59770786-C-T.
Other names: IVS18+5G>A.
Identifiers: ClinVar variation 128176 (VCV000128176.3), dbSNP rs587780241, ClinGen allele CA288560.

ClinVar aggregate classification (germline): Uncertain significance. Review status: criteria provided, multiple submitters, no conflicts (2 of 4 stars). 2 submissions from 2 submitters: Uncertain significance (2). Last evaluated 2024-10-07.

Conditions:
Hereditary cancer-predisposing syndrome. Also called: Hereditary neoplastic syndrome; Neoplastic Syndromes, Hereditary; Hereditary Cancer Syndrome; Tumor predisposition. Identifiers: Orphanet 140162, MedGen C0027672, MeSH D009386, MONDO:0015356.

Submissions (2):

Ambry Genetics
Classification: Uncertain significance for Hereditary cancer-predisposing syndrome. Last evaluated: 2024-10-07. Review status: criteria provided, single submitter. Criteria: Ambry Variant Classification Scheme 2023. Collection method: clinical testing. Allele origin: germline.
Comment: The c.2575+5G>A intronic variant results from a G to A substitution 5 nucleotides after coding exon 17 in the BRIP1 gene. This nucleotide position is highly conserved in available vertebrate species. In silico splice site analysis predicts that this alteration will weaken the native splice donor site; however, direct evidence is insufficient at this time (Ambry internal data). Based on the available evidence, the clinical significance of this variant remains unclear.

GeneDx
Classification: Uncertain significance. Last evaluated: 2013-11-05. Review status: criteria provided, single submitter. Criteria: GeneDx Variant Classification (06012015). Collection method: clinical testing. Allele origin: germline. Affected: yes.
Comment: This variant is denoted BRIP1 IVS18+5G>A or c.2575+5G>A and consists of a G>A nucleotide substitution at the +5 position of intron 18 of the BRIP1 gene. Multiple in silico splicing models predict this variant to weaken the natural splice donor site for exon 18 and to possibly cause abnormal gene splicing. This variant has not, to our knowledge, been published in the literature as pathogenic or benign. BRIP1 c.2575+5G>A was not observed in approximately 6,500 individuals of European and African American ancestry in the NHLBI Exome Sequencing Project, indicating it is not a common benign variant in these populations. Based on the currently available information, we consider BRIP1 c.2575+5G>A to be a variant of uncertain significance.